The following is an entry in ClinVar:

NM_014679.5(CEP57):c.35C>G (p.Ser12Cys)

Genes: CEP57 (centrosomal protein 57; plus strand), LOC130006618 (ATAC-STARR-seq lymphoblastoid active region 5417; plus strand). Cytogenetic location: 11q21.
Variant type: single nucleotide variant.
Coding change: c.35C>G on transcript NM_014679.5 (MANE Select); coding-DNA position 35, C replaced by G.
Protein change: p.Ser12Cys; replaces serine 12 with cysteine.
Molecular consequence: missense variant. On other transcripts: 5 prime UTR variant (7), intron variant (1).
Genome position (GRCh38, 1-based): chr11:95,790,733, C>G. VCF-style: chr11-95790733-C-G. GRCh37 (hg19) VCF-style: chr11-95523897-C-G.
Other names: c.-37C>G (NM_001243776.2); c.35C>G, p.Ser12Cys (NM_001243777.2, NM_001440871.1, NM_001440872.1 and 6 more transcripts); c.-360C>G (NM_001363604.2, NM_001440877.1); c.-42C>G (NM_001440870.1, NM_001440875.1, NM_001440878.1 and 1 more transcripts); c.-37+591C>G (NM_001440869.1); short protein forms S12C.
Identifiers: ClinVar variation 4613614 (VCV004613614.1).
Genomic context (GRCh38, chr11:95,790,733, plus strand): 5'-CGGAGACCCCCTGGGCAGGCTGAAAGATGGCGGCGGCGTCTGTCTCTGCGGCTTCTGGTT[C>G]TCACTTGTCGGTAAGAAGCAGTTGGCGCGAGTGGGCCCCACGTCGGCCCTAAGCGCCTCT-3'
Protein context (NP_055494.2, residues 2-22): AAASVSAASG[Ser12Cys]HLSNSFAEPS

ClinVar aggregate classification (germline): Uncertain significance (1 of 4 stars; one submission).

Conditions:
Inborn genetic diseases. Identifiers: MedGen C0950123, MeSH D030342.

Submission:

Ambry Genetics
Classification: Uncertain significance for Inborn genetic diseases. Last evaluated: 2025-11-08. Review status: criteria provided, single submitter. Criteria: Ambry Variant Classification Scheme 2023. Collection method: clinical testing. Allele origin: germline.
Comment: The p.S12C variant (also known as c.35C>G), located in coding exon 1 of the CEP57 gene, results from a C to G substitution at nucleotide position 35. The serine at codon 12 is replaced by cysteine, an amino acid with dissimilar properties. This amino acid position is conserved. In addition, this alteration is predicted to be tolerated by in silico analysis. Based on the available evidence, the clinical significance of this variant remains unclear.